The following is an entry in ClinVar:

ClinVar aggregate classification (germline): Uncertain significance. Review status: criteria provided, multiple submitters, no conflicts (2 of 4 stars). 6 submissions from 6 submitters: Uncertain significance (6). Last evaluated 2026-03-16.

Conditions:
COL1A2-related disorder. Also called: COL1A2-related condition; COL1A2-Related Disorders.
Osteogenesis imperfecta type I (OI1). Also called: OI, TYPE I; OSTEOGENESIS IMPERFECTA TARDA; OSTEOGENESIS IMPERFECTA WITH BLUE SCLERAE; Osteogenesis imperfecta type 1; Lobstein's Disease; Lobstein disease. Identifiers: Orphanet 216796, Orphanet 666, MedGen C0023931, MONDO:0008146, OMIM 166200. Disease mechanism: loss of function.
Ehlers-Danlos syndrome, classic type, 1 (EDSCL1). Also called: EHLERS-DANLOS SYNDROME, GRAVIS TYPE; EHLERS-DANLOS SYNDROME, SEVERE CLASSIC TYPE; EDS I; Ehlers-Danlos syndrome, type 1; Ehlers-Danlos Syndrome, Classic Type, COL5A1-Related. Identifiers: MedGen C0268335, MONDO:0019567, OMIM 130000.

Allele frequency attached by ClinVar (database versions not stated): TOPMed 0.00001; ExAC 0.00002.
gnomAD v4.1: 18 of 1,614,000 alleles (0.0011%); highest among the groups gnomAD compares: African/African-American, 0.004%; no homozygotes.

Submissions (6):

Women's Health and Genetics/Laboratory Corporation of America, LabCorp
Classification: Uncertain significance. Last evaluated: 2026-03-16. Review status: criteria provided, single submitter. Criteria: LabCorp Variant Classification Summary - May 2015. Collection method: clinical testing. Allele origin: germline.
Comment: Variant summary: COL1A2 c.3481C>T (p.Arg1161Cys) results in a non-conservative amino acid change in the encoded protein sequence. Algorithms developed to predict the effect of missense changes on protein structure and function all suggest that this variant is likely to be disruptive. The variant allele was found at a frequency of 2e-05 in 250660 control chromosomes. The available data on variant occurrences in the general population are insufficient to allow any conclusion about variant significance. c.3481C>T has been observed in an individual affected with osteogenesis imperfecta, however they had a second variant in cis (Leone_2023). This report does not provide unequivocal conclusions about association of the variant with COL1A2-related disorders. To our knowledge, no experimental evidence demonstrating an impact on protein function has been reported. The following publication has been ascertained in the context of this evaluation (PMID: 37079061). ClinVar contains an entry for this variant (Variation ID: 2682985). Based on the evidence outlined above, the variant was classified as uncertain significance.

PreventionGenetics, part of Exact Sciences
Classification: Uncertain significance for COL1A2-related condition. Last evaluated: 2026-03-09. Review status: criteria provided, single submitter. Criteria: ACMG Guidelines, 2015. Collection method: clinical testing. Allele origin: germline.
Comment: The COL1A2 c.3481C>T variant is predicted to result in the amino acid substitution p.Arg1161Cys. To our knowledge, this variant has not been reported in the literature in individuals with COL1A2-related disease. This variant is reported in 0.012% of alleles in individuals of African descent in gnomAD. At this time, the clinical significance of this variant is uncertain due to the absence of conclusive functional and genetic evidence.

Labcorp Genetics (formerly Invitae), Labcorp
Classification: Uncertain significance for Osteogenesis imperfecta type I; Ehlers-Danlos syndrome, classic type, 1. Last evaluated: 2025-07-20. Review status: criteria provided, single submitter. Criteria: Invitae Variant Classification Sherloc (09022015). Collection method: clinical testing. Allele origin: germline.
Comment: This sequence change replaces arginine, which is basic and polar, with cysteine, which is neutral and slightly polar, at codon 1161 of the COL1A2 protein (p.Arg1161Cys). This variant is present in population databases (rs772797360, gnomAD 0.01%). This variant has not been reported in the literature in individuals affected with COL1A2-related conditions. ClinVar contains an entry for this variant (Variation ID: 2682985). Invitae Evidence Modeling of protein sequence and biophysical properties (such as structural, functional, and spatial information, amino acid conservation, physicochemical variation, residue mobility, and thermodynamic stability) indicates that this missense variant is expected to disrupt COL1A2 protein function with a positive predictive value of 95%. In summary, the available evidence is currently insufficient to determine the role of this variant in disease. Therefore, it has been classified as a Variant of Uncertain Significance.

Blueprint Genetics
Classification: Uncertain significance. Last evaluated: 2024-06-24. Review status: criteria provided, single submitter. Criteria: ACMG Guidelines, 2015. Collection method: clinical testing. Allele origin: germline.

GeneDx
Classification: Uncertain significance. Last evaluated: 2024-05-02. Review status: criteria provided, single submitter. Criteria: GeneDx Variant Classification Process June 2021. Collection method: clinical testing. Allele origin: germline. Affected: yes.
Comment: Not observed at significant frequency in large population cohorts (gnomAD); In silico analysis supports that this missense variant has a deleterious effect on protein structure/function; Has not been previously published as pathogenic or benign to our knowledge; Not located in the triple helical region, where the majority of pathogenic missense variants occur (HGMD)

Mayo Clinic Laboratories, Mayo Clinic
Classification: Uncertain significance. Last evaluated: 2022-10-12. Review status: criteria provided, single submitter. Criteria: ACMG Guidelines, 2015. Collection method: clinical testing. Allele origin: germline. Observed: 1 variant allele.
Comment: PP3

Literature cited by the submitters: PubMed 37079061 (cited by Women's Health and Genetics/Laboratory Corporation of America, LabCorp).

NM_000089.4(COL1A2):c.3481C>T (p.Arg1161Cys)

Gene: COL1A2 (collagen type I alpha 2 chain; plus strand). Cytogenetic location: 7q21.3.
Variant type: single nucleotide variant.
Coding change: c.3481C>T on transcript NM_000089.4 (MANE Select); coding-DNA position 3481, C replaced by T.
Protein change: p.Arg1161Cys; replaces arginine 1161 with cysteine.
Molecular consequence: missense variant.
Genome position (GRCh38, 1-based): chr7:94,427,840, C>T. VCF-style: chr7-94427840-C-T. GRCh37 (hg19) VCF-style: chr7-94057152-C-T.
Other names: p.Arg1161Cys; short protein forms R1161C.
Identifiers: ClinVar variation 2682985 (VCV002682985.8), dbSNP rs772797360, ClinGen allele CA4347764.